The following is an entry in ClinVar:

NM_016169.4(SUFU):c.1021C>T (p.Pro341Ser)

Gene: SUFU (SUFU negative regulator of hedgehog signaling; plus strand). Cytogenetic location: 10q24.32.
Variant type: single nucleotide variant.
Coding change: c.1021C>T on transcript NM_016169.4 (MANE Select); coding-DNA position 1021, C replaced by T.
Protein change: p.Pro341Ser; replaces proline 341 with serine.
Molecular consequence: missense variant.
Genome position (GRCh38, 1-based): chr10:102,599,543, C>T. VCF-style: chr10-102599543-C-T. GRCh37 (hg19) VCF-style: chr10-104359300-C-T.
Other names: c.1021C>T, p.Pro341Ser (NM_001178133.2); short protein forms P341S.
Identifiers: ClinVar variation 3323531 (VCV003323531.1).

ClinVar aggregate classification (germline): Uncertain significance (1 of 4 stars; one submission).

Conditions:
Hereditary cancer-predisposing syndrome. Also called: Neoplastic Syndromes, Hereditary; Tumor predisposition; Hereditary neoplastic syndrome; Hereditary Cancer Syndrome. Identifiers: Orphanet 140162, MedGen C0027672, MeSH D009386, MONDO:0015356.

Submission:

Ambry Genetics
Classification: Uncertain significance for Hereditary cancer-predisposing syndrome. Last evaluated: 2024-03-20. Review status: criteria provided, single submitter. Criteria: Ambry Variant Classification Scheme 2023. Collection method: clinical testing. Allele origin: germline.
Comment: The p.P341S variant (also known as c.1021C>T), located in coding exon 8 of the SUFU gene, results from a C to T substitution at nucleotide position 1021. The proline at codon 341 is replaced by serine, an amino acid with similar properties. This amino acid position is well conserved in available vertebrate species. In addition, this alteration is predicted to be tolerated by in silico analysis. Based on the available evidence, the clinical significance of this alteration remains unclear.